The following is an entry in ClinVar:

ClinVar aggregate classification (germline): Likely benign. Review status: criteria provided, multiple submitters, no conflicts (2 of 4 stars). 2 submissions from 2 submitters: Likely benign (2). Last evaluated 2025-09-01.

gnomAD v4.1: 33 of 1,605,912 alleles (0.0021%); highest among the groups gnomAD compares: Middle Eastern, 0.05%; no homozygotes.

Submissions (2):

CeGaT Center for Human Genetics Tuebingen
Classification: Likely benign. Last evaluated: 2025-09-01. Review status: criteria provided, single submitter. Criteria: CeGaT Center For Human Genetics Tuebingen Variant Classification Criteria Version 2. Collection method: clinical testing. Allele origin: germline. Affected: yes. Observed: 2 variant alleles.
Comment: IGF1R: BP4, BP7

Labcorp Genetics (formerly Invitae), Labcorp
Classification: Likely benign. Last evaluated: 2024-09-06. Review status: criteria provided, single submitter. Criteria: Invitae Variant Classification Sherloc (09022015). Collection method: clinical testing. Allele origin: germline.

NM_000875.5(IGF1R):c.897C>T (p.His299=)

Gene: IGF1R (insulin like growth factor 1 receptor; plus strand). Cytogenetic location: 15q26.3.
Variant type: single nucleotide variant.
Coding change: c.897C>T on transcript NM_000875.5 (MANE Select); coding-DNA position 897, C replaced by T.
Protein change: p.His299=; no amino-acid change (histidine 299 retained).
Molecular consequence: synonymous variant.
Genome position (GRCh38, 1-based): chr15:98,891,581, C>T. VCF-style: chr15-98891581-C-T. GRCh37 (hg19) VCF-style: chr15-99434810-C-T.
Other names: c.897C>T, p.His299= (NM_001291858.2).
Identifiers: ClinVar variation 3711343 (VCV003711343.9).